The following is an entry in ClinVar:

ClinVar aggregate classification (germline): Uncertain significance. Review status: criteria provided, multiple submitters, no conflicts (2 of 4 stars). 3 submissions from 3 submitters: Uncertain significance (2). 1 of the submissions does not count toward it. Last evaluated 2023-12-07.

Conditions:
Leber congenital amaurosis (LCA). Also called: Leber's amaurosis. Identifiers: Orphanet 65, MedGen C0339527, MeSH D057130, MONDO:0018998.
Nephronophthisis. Also called: Juvenile Nephronophthisis. Identifiers: Orphanet 655, MedGen C0687120, MONDO:0019005, HP:0000090.
Meckel-Gruber syndrome. Also called: DYSENCEPHALIA SPLANCHNOCYSTICA; GRUBER SYNDROME; Dysencephalia splachnocystica. Identifiers: Orphanet 564, MedGen C0265215, MONDO:0018921.
Joubert syndrome. Also called: CEREBELLOPARENCHYMAL DISORDER IV; JOUBERT-BOLTSHAUSER SYNDROME; Familial aplasia of the vermis. Identifiers: Orphanet 475, MedGen C5979921, MONDO:0018772.

Allele frequency attached by ClinVar (database versions not stated): gnomAD exomes below 0.00001; TOPMed below 0.00001; gnomAD 0.00001.
gnomAD v4.1: 2 of 1,599,878 alleles (0.00013%); highest among the groups gnomAD compares: African/African-American, 0.0027%; no homozygotes.

Submissions (3):

Women's Health and Genetics/Laboratory Corporation of America, LabCorp
Classification: Uncertain significance. Last evaluated: 2023-12-07. Review status: criteria provided, single submitter. Criteria: LabCorp Variant Classification Summary - May 2015. Collection method: clinical testing. Allele origin: germline.

Labcorp Genetics (formerly Invitae), Labcorp
Classification: Uncertain significance for Joubert syndrome; Meckel-Gruber syndrome; Nephronophthisis. Last evaluated: 2022-04-26. Review status: criteria provided, single submitter. Criteria: Invitae Variant Classification Sherloc (09022015). Collection method: clinical testing. Allele origin: germline.
Comment: This sequence change falls in intron 41 of the CEP290 gene. It does not directly change the encoded amino acid sequence of the CEP290 protein. It affects a nucleotide within the consensus splice site. This variant is not present in population databases (gnomAD no frequency). This variant has not been reported in the literature in individuals affected with CEP290-related conditions. Variants that disrupt the consensus splice site are a relatively common cause of aberrant splicing (PMID: 17576681, 9536098). Algorithms developed to predict the effect of sequence changes on RNA splicing suggest that this variant is not likely to affect RNA splicing. In summary, the available evidence is currently insufficient to determine the role of this variant in disease. Therefore, it has been classified as a Variant of Uncertain Significance.

Natera, Inc.
Classification: Uncertain significance for Leber congenital amaurosis. Last evaluated: 2025-02-19. Review status: no assertion criteria provided. Collection method: clinical testing. Allele origin: germline. Not counted in ClinVar's aggregate classification.

Literature cited by the submitters: PubMed 17576681 (cited by Labcorp Genetics (formerly Invitae), Labcorp); PubMed 9536098 (cited by Labcorp Genetics (formerly Invitae), Labcorp).

NM_025114.4(CEP290):c.5709+5G>A

Gene: CEP290 (centrosomal protein 290; minus strand). Cytogenetic location: 12q21.32.
Variant type: single nucleotide variant.
Coding change: c.5709+5G>A on transcript NM_025114.4 (MANE Select); 5 bases into the intron after coding-DNA position 5709, G replaced by A.
Molecular consequence: intron variant.
Genome position (GRCh38, 1-based): chr12:88,077,217, C>T on the plus strand (G>A on the coding strand, the complement: CEP290 is on the minus strand). VCF-style: chr12-88077217-C-T. GRCh37 (hg19) VCF-style: chr12-88470994-C-T.
Other names: c.5709+5G>A (NM_025114.3).
Identifiers: ClinVar variation 1522600 (VCV001522600.5), dbSNP rs2035845308, ClinGen allele CA950219566.